The following is an entry in ClinVar:

NM_001375405.1(CEP120):c.2771T>C (p.Ile924Thr)

Gene: CEP120 (centrosomal protein 120; minus strand). Cytogenetic location: 5q23.2.
Variant type: single nucleotide variant.
Coding change: c.2771T>C on transcript NM_001375405.1 (MANE Select); coding-DNA position 2771, T replaced by C.
Protein change: p.Ile924Thr; replaces isoleucine 924 with threonine.
Molecular consequence: missense variant. On other transcripts: 3 prime UTR variant (1), non-coding transcript variant (1).
Genome position (GRCh38, 1-based): chr5:123,346,709, A>G on the plus strand (T>C on the coding strand, the complement: CEP120 is on the minus strand). VCF-style: chr5-123346709-A-G. GRCh37 (hg19) VCF-style: chr5-122682403-A-G.
Other names: c.2693T>C, p.Ile898Thr (NM_001166226.2); c.2636T>C, p.Ile879Thr (NM_001375406.1); c.*40T>C (NM_001375407.1); c.2198T>C, p.Ile733Thr (NM_001375408.1, NM_001375409.1); c.2771T>C, p.Ile924Thr (NM_153223.4); short protein forms I879T, I898T, I924T, I733T.
Identifiers: ClinVar variation 3265978 (VCV003265978.2).

ClinVar aggregate classification (germline): Uncertain significance. Review status: criteria provided, multiple submitters, no conflicts (2 of 4 stars). 2 submissions from 2 submitters: Uncertain significance (2). Last evaluated 2026-01-17.

Conditions:
Inborn genetic diseases. Identifiers: MedGen C0950123, MeSH D030342.
Short-rib thoracic dysplasia 13 with or without polydactyly (SRTD13). Identifiers: Orphanet 474, MedGen C4225378, MONDO:0014577, OMIM 616300.

gnomAD v4.1: 14 of 1,613,006 alleles (0.00087%); highest among the groups gnomAD compares: African/African-American, 0.0067%; no homozygotes.

Submissions (2):

Labcorp Genetics (formerly Invitae), Labcorp
Classification: Uncertain significance for Short-rib thoracic dysplasia 13 with or without polydactyly. Last evaluated: 2026-01-17. Review status: criteria provided, single submitter. Criteria: Invitae Variant Classification Sherloc (09022015). Collection method: clinical testing. Allele origin: germline.
Comment: This sequence change replaces isoleucine, which is neutral and non-polar, with threonine, which is neutral and polar, at codon 924 of the CEP120 protein (p.Ile924Thr). This variant is present in population databases (rs767823007, gnomAD 0.007%). This variant has not been reported in the literature in individuals affected with CEP120-related conditions. ClinVar contains an entry for this variant (Variation ID: 3265978). An algorithm developed to predict the effect of missense changes on protein structure and function (PolyPhen-2) suggests that this variant is likely to be tolerated. In summary, the available evidence is currently insufficient to determine the role of this variant in disease. Therefore, it has been classified as a Variant of Uncertain Significance.

Ambry Genetics
Classification: Uncertain significance for Inborn genetic diseases. Last evaluated: 2024-04-23. Review status: criteria provided, single submitter. Criteria: Ambry Variant Classification Scheme 2023. Collection method: clinical testing. Allele origin: germline.